The following is an entry in ClinVar:

ClinVar aggregate classification (germline): Uncertain significance. Review status: criteria provided, multiple submitters, no conflicts (2 of 4 stars). 4 submissions from 4 submitters: Uncertain significance (4). Last evaluated 2024-12-11.

Conditions:
Inborn genetic diseases. Identifiers: MedGen C0950123, MeSH D030342.
Isolated microphthalmia 5. Also called: Posterior Microphthalmia with Retinitis Pigmentosa, Foveoschisis, and Optic Disc Drusen. Identifiers: Orphanet 251279, MedGen C1970236, MONDO:0012605, OMIM 611040.

Allele frequency attached by ClinVar (database versions not stated): gnomAD exomes 0.00002 and 0.00004; TOPMed 0.00002; ExAC 0.00001; gnomAD 0.00003.
gnomAD v4.1: 66 of 1,613,812 alleles (0.0041%); highest among the groups gnomAD compares: Middle Eastern, 0.049%; no homozygotes.

Submissions (4):

Ambry Genetics
Classification: Uncertain significance for Inborn genetic diseases. Last evaluated: 2024-12-11. Review status: criteria provided, single submitter. Criteria: Ambry Variant Classification Scheme 2023. Collection method: clinical testing. Allele origin: germline.

Blueprint Genetics
Classification: Uncertain significance. Last evaluated: 2024-04-22. Review status: criteria provided, single submitter. Criteria: ACMG Guidelines, 2015. Collection method: clinical testing. Allele origin: germline.

Labcorp Genetics (formerly Invitae), Labcorp
Classification: Uncertain significance for Isolated microphthalmia 5. Last evaluated: 2022-07-29. Review status: criteria provided, single submitter. Criteria: Invitae Variant Classification Sherloc (09022015). Collection method: clinical testing. Allele origin: germline.
Comment: This sequence change replaces histidine, which is basic and polar, with arginine, which is basic and polar, at codon 169 of the MFRP protein (p.His169Arg). This variant is present in population databases (rs745894130, gnomAD 0.002%). This variant has not been reported in the literature in individuals affected with MFRP-related conditions. ClinVar contains an entry for this variant (Variation ID: 197862). Algorithms developed to predict the effect of missense changes on protein structure and function output the following: SIFT: "Tolerated"; PolyPhen-2: "Benign"; Align-GVGD: "Class C0". The arginine amino acid residue is found in multiple mammalian species, which suggests that this missense change does not adversely affect protein function. In summary, the available evidence is currently insufficient to determine the role of this variant in disease. Therefore, it has been classified as a Variant of Uncertain Significance.

Eurofins Ntd Llc (ga)
Classification: Uncertain significance. Last evaluated: 2014-11-24. Review status: criteria provided, single submitter. Criteria: EGL Classification Definitions 2015. Collection method: clinical testing. Allele origin: germline. Observed: 2 variant alleles, 2 heterozygotes.

NM_031433.4(MFRP):c.506A>G (p.His169Arg)

Genes: C1QTNF5 (C1q and TNF related 5; minus strand), MFRP (membrane frizzled-related protein; minus strand). Cytogenetic location: 11q23.3.
Variant type: single nucleotide variant.
Coding change: c.506A>G on transcript NM_031433.4 (MANE Select); coding-DNA position 506, A replaced by G.
Protein change: p.His169Arg; replaces histidine 169 with arginine.
Molecular consequence: missense variant. On other transcripts: 5 prime UTR variant (1).
Genome position (GRCh38, 1-based): chr11:119,345,555, T>C on the plus strand (A>G on the coding strand, the complement: MFRP is on the minus strand). VCF-style: chr11-119345555-T-C. GRCh37 (hg19) VCF-style: chr11-119216265-T-C.
Other names: c.-2131A>G (NM_015645.5); short protein forms H169R.
Identifiers: ClinVar variation 197862 (VCV000197862.14), dbSNP rs745894130, ClinGen allele CA017222.
Genomic context (GRCh38, chr11:119,345,555, plus strand): 5'-AGGGCTTCGATCTTGAGCTGTATTGCATGGTCTGTGGCCACCTGGATATGCCACACGCAG[T>C]GGGTGTTGGGGGGGTAAGGGTCTGGGTAGTTAGGGCTGCTGAAGAAGCCCCTTGGGCCAG-3'
Protein context (NP_113621.1, residues 159-179): NYPDPYPPNT[His169Arg]CVWHIQVATD